The following is an entry in ClinVar:

ClinVar aggregate classification (germline): Uncertain significance (1 of 4 stars; one submission).

Conditions:
Dilated cardiomyopathy 1R (CMD1R). Identifiers: Orphanet 154, Orphanet 54260, MedGen C3150681, MONDO:0013261, OMIM 613424.
Atrial septal defect 5 (ASD5). Identifiers: Orphanet 1478, MedGen C2748552, MONDO:0013011, OMIM 612794.
Hypertrophic cardiomyopathy 11. Also called: ACTC1-Related Familial Hypertrophic Cardiomyopathy. Identifiers: MedGen C2677506, MONDO:0012799, OMIM 612098.

Submission:

Labcorp Genetics (formerly Invitae), Labcorp
Classification: Uncertain significance for Dilated cardiomyopathy 1R; Hypertrophic cardiomyopathy 11; Atrial septal defect 5. Last evaluated: 2023-05-30. Review status: criteria provided, single submitter. Criteria: Invitae Variant Classification Sherloc (09022015). Collection method: clinical testing. Allele origin: germline.
Comment: Advanced modeling of protein sequence and biophysical properties (such as structural, functional, and spatial information, amino acid conservation, physicochemical variation, residue mobility, and thermodynamic stability) performed at Invitae indicates that this missense variant is not expected to disrupt ACTC1 protein function. In summary, the available evidence is currently insufficient to determine the role of this variant in disease. Therefore, it has been classified as a Variant of Uncertain Significance. ClinVar contains an entry for this variant (Variation ID: 2157713). This variant has not been reported in the literature in individuals affected with ACTC1-related conditions. This variant is not present in population databases (gnomAD no frequency). This sequence change replaces proline, which is neutral and non-polar, with threonine, which is neutral and polar, at codon 174 of the ACTC1 protein (p.Pro174Thr).

NM_005159.5(ACTC1):c.520C>A (p.Pro174Thr)

Genes: GJD2-DT (GJD2 divergent transcript; plus strand), ACTC1 (actin alpha cardiac muscle 1; minus strand). Cytogenetic location: 15q14.
Variant type: single nucleotide variant.
Coding change: c.520C>A on transcript NM_005159.5 (MANE Select); coding-DNA position 520, C replaced by A.
Protein change: p.Pro174Thr; replaces proline 174 with threonine.
Molecular consequence: missense variant.
Genome position (GRCh38, 1-based): chr15:34,792,504, G>T on the plus strand (C>A on the coding strand, the complement: ACTC1 is on the minus strand). VCF-style: chr15-34792504-G-T. GRCh37 (hg19) VCF-style: chr15-35084705-G-T.
Other names: c.520C>A, p.Pro174Thr (NM_001406482.1, NM_001406483.1); c.385C>A, p.Pro129Thr (NM_001406484.1); c.79C>A, p.Pro27Thr (NM_001406485.1); short protein forms P129T, P174T, P27T.
Identifiers: ClinVar variation 2157713 (VCV002157713.4), dbSNP rs2504181072, ClinGen allele CA391631051.